The following is an entry in ClinVar:

ClinVar aggregate classification (germline): Uncertain significance (1 of 4 stars; one submission).

gnomAD v4.1: 1 of 1,614,196 alleles (0.000062%); highest among the groups gnomAD compares: Non-Finnish European, 0.000085%; no homozygotes.

Submission:

Athena Diagnostics
Classification: Uncertain significance. Last evaluated: 2023-12-15. Review status: criteria provided, single submitter. Criteria: Athena Diagnostics Criteria. Collection method: clinical testing. Allele origin: unknown.
Comment: Available data are insufficient to determine the clinical significance of the variant at this time. This variant has not been reported in large, multi-ethnic general populations. Computational tools yielded predictions that this variant is unlikely to have an effect on normal RNA splicing.

NM_020247.5(COQ8A):c.1507-3C>T

Gene: COQ8A (coenzyme Q8A; plus strand). Cytogenetic location: 1q42.13.
Variant type: single nucleotide variant.
Coding change: c.1507-3C>T on transcript NM_020247.5 (MANE Select); 3 bases into the intron before coding-DNA position 1507, C replaced by T.
Molecular consequence: intron variant.
Genome position (GRCh38, 1-based): chr1:226,984,873, C>T. VCF-style: chr1-226984873-C-T. GRCh37 (hg19) VCF-style: chr1-227172574-C-T.
Identifiers: ClinVar variation 3571737 (VCV003571737.1).
Genomic context (GRCh38, chr1:226,984,873, plus strand): 5'-GGCCCCACACACCCGCACCATGGAGCACCAGGGCCAAACTTCTCCTGGTGTCTCTGTCCC[C>T]AGGTGGCTCTTTTGGATTTTGGGGCAACGCGGGAATATGACAGATCCTTCACCGACCTCT-3'